The following is an entry in ClinVar:

ClinVar aggregate classification (germline): Uncertain significance. Review status: criteria provided, multiple submitters, no conflicts (2 of 4 stars). 2 submissions from 2 submitters: Uncertain significance (2). Last evaluated 2025-08-28.

Allele frequency attached by ClinVar (database versions not stated): gnomAD exomes below 0.00001; TOPMed 0.00001; gnomAD 0.00002.

Submissions (2):

Ambry Genetics
Classification: Uncertain significance. Last evaluated: 2025-08-28. Review status: criteria provided, single submitter. Criteria: Ambry Variant Classification Scheme 2023. Collection method: clinical testing. Allele origin: germline.

Labcorp Genetics (formerly Invitae), Labcorp
Classification: Uncertain significance. Last evaluated: 2022-10-18. Review status: criteria provided, single submitter. Criteria: Invitae Variant Classification Sherloc (09022015). Collection method: clinical testing. Allele origin: germline.
Comment: In summary, the available evidence is currently insufficient to determine the role of this variant in disease. Therefore, it has been classified as a Variant of Uncertain Significance. Algorithms developed to predict the effect of missense changes on protein structure and function (SIFT, PolyPhen-2, Align-GVGD) all suggest that this variant is likely to be tolerated. ClinVar contains an entry for this variant (Variation ID: 1500593). This variant has not been reported in the literature in individuals affected with MESP1-related conditions. This variant is not present in population databases (gnomAD no frequency). This sequence change replaces glycine, which is neutral and non-polar, with serine, which is neutral and polar, at codon 33 of the MESP1 protein (p.Gly33Ser).

NM_018670.4(MESP1):c.97G>A (p.Gly33Ser)

Genes: MESP1 (mesoderm posterior bHLH transcription factor 1; minus strand), LOC130057889 (ATAC-STARR-seq lymphoblastoid silent region 6804; plus strand). Cytogenetic location: 15q26.1.
Variant type: single nucleotide variant.
Coding change: c.97G>A on transcript NM_018670.4 (MANE Select); coding-DNA position 97, G replaced by A.
Protein change: p.Gly33Ser; replaces glycine 33 with serine.
Molecular consequence: missense variant.
Genome position (GRCh38, 1-based): chr15:89,751,135, C>T on the plus strand (G>A on the coding strand, the complement: MESP1 is on the minus strand). VCF-style: chr15-89751135-C-T. GRCh37 (hg19) VCF-style: chr15-90294366-C-T.
Other names: c.97G>A (NM_018670.3); short protein forms G33S.
Identifiers: ClinVar variation 1500593 (VCV001500593.8), dbSNP rs1043567658, ClinGen allele CA274596993.